The following is an entry in ClinVar:

ClinVar aggregate classification (germline): Uncertain significance. Review status: criteria provided, multiple submitters, no conflicts (2 of 4 stars). 2 submissions from 2 submitters: Uncertain significance (2). Last evaluated 2026-01-29.

Conditions:
BAP1-related tumor predisposition syndrome (TPDS1). Also called: Tumor susceptibility linked to germline BAP1 mutations; TUMOR PREDISPOSITION SYNDROME 1; COMMON Syndrome; BAP1 tumor predisposition syndrome. Identifiers: Orphanet 289539, MedGen C3280492, MONDO:0013692, OMIM 614327.

Allele frequency attached by ClinVar (database versions not stated): gnomAD exomes below 0.00001.

Submissions (2):

Women's Health and Genetics/Laboratory Corporation of America, LabCorp
Classification: Uncertain significance. Last evaluated: 2026-01-29. Review status: criteria provided, single submitter. Criteria: LabCorp Variant Classification Summary - May 2015. Collection method: clinical testing. Allele origin: germline.
Comment: Variant summary: BAP1 c.2060T>G (p.Met687Arg) results in a non-conservative amino acid change in the encoded protein sequence. Algorithms developed to predict the effect of missense changes on protein structure and function are either unavailable or do not agree on the potential impact of this missense change. The variant was absent in 176728 control chromosomes. The available data on variant occurrences in the general population are insufficient to allow any conclusion about variant significance. To our knowledge, no occurrence of c.2060T>G in individuals affected with BAP1-related conditions and no experimental evidence demonstrating its impact on protein function have been reported. ClinVar contains an entry for this variant (Variation ID: 643767). Based on the evidence outlined above, the variant was classified as uncertain significance.

Labcorp Genetics (formerly Invitae), Labcorp
Classification: Uncertain significance for BAP1-related tumor predisposition syndrome. Last evaluated: 2018-10-03. Review status: criteria provided, single submitter. Criteria: Invitae Variant Classification Sherloc (09022015). Collection method: clinical testing. Allele origin: germline.
Comment: In summary, the available evidence is currently insufficient to determine the role of this variant in disease. Therefore, it has been classified as a Variant of Uncertain Significance. Algorithms developed to predict the effect of sequence changes on RNA splicing suggest that this variant may create or strengthen a splice site, but this prediction has not been confirmed by published transcriptional studies. Algorithms developed to predict the effect of missense changes on protein structure and function are either unavailable or do not agree on the potential impact of this missense change (SIFT: "Tolerated"; PolyPhen-2: "Possibly Damaging"; Align-GVGD: "Class C0"). This variant has not been reported in the literature in individuals with BAP1-related disease. This variant is not present in population databases (ExAC no frequency). This sequence change replaces methionine with arginine at codon 687 of the BAP1 protein (p.Met687Arg). The methionine residue is highly conserved and there is a moderate physicochemical difference between methionine and arginine.

NM_004656.4(BAP1):c.2060T>G (p.Met687Arg)

Gene: BAP1 (BRCA1 associated deubiquitinase 1; minus strand). Cytogenetic location: 3p21.1.
Variant type: single nucleotide variant.
Coding change: c.2060T>G on transcript NM_004656.4 (MANE Select); coding-DNA position 2060, T replaced by G.
Protein change: p.Met687Arg; replaces methionine 687 with arginine.
Molecular consequence: missense variant.
Genome position (GRCh38, 1-based): chr3:52,402,418, A>C on the plus strand (T>G on the coding strand, the complement: BAP1 is on the minus strand). VCF-style: chr3-52402418-A-C. GRCh37 (hg19) VCF-style: chr3-52436434-A-C.
Other names: short protein forms M687R.
Identifiers: ClinVar variation 643767 (VCV000643767.7), dbSNP rs1559584779, ClinGen allele CA353094562.